The following is an entry in ClinVar:

NM_000551.4(VHL):c.629G>C (p.Arg210Pro)

Genes: VHL (von Hippel-Lindau tumor suppressor; plus strand), LOC107303340 (3p25 von Hippel-Lindau tumor suppressor, E3 ubiquitin protein ligase Alu-mediated recombination region; plus strand). Cytogenetic location: 3p25.3.
Variant type: single nucleotide variant.
Coding change: c.629G>C on transcript NM_000551.4 (MANE Select); coding-DNA position 629, G replaced by C.
Protein change: p.Arg210Pro; replaces arginine 210 with proline.
Molecular consequence: missense variant. On other transcripts: 3 prime UTR variant (1), non-coding transcript variant (1).
Genome position (GRCh38, 1-based): chr3:10,149,952, G>C. VCF-style: chr3-10149952-G-C. GRCh37 (hg19) VCF-style: chr3-10191636-G-C.
Other names: c.*183G>C (NM_001354723.2); c.506G>C, p.Arg169Pro (NM_198156.3); short protein forms R169P, R210P.
Identifiers: ClinVar variation 4813145 (VCV004813145.1).
Genomic context (GRCh38, chr3:10,149,952, plus strand): 5'-ACCACCCAAATGTGCAGAAAGACCTGGAGCGGCTGACACAGGAGCGCATTGCACATCAAC[G>C]GATGGGAGATTGAAGATTTCTGTTGAAACTTACACTGTTTCATCTCAGCTTTTGATGGTA-3'
Protein context (NP_000542.1, residues 200-213): RLTQERIAHQ[Arg210Pro]MGD

ClinVar aggregate classification (germline): Uncertain significance (1 of 4 stars; one submission).

Conditions:
Von Hippel-Lindau syndrome (VHLS). Also called: Von Hippel-Lindau; von Hippel–Lindau syndrome; VHL syndrome. Identifiers: Orphanet 892, MedGen C0019562, MONDO:0008667, OMIM 193300. Disease mechanism: loss of function.

Submission:

St. Jude Molecular Pathology, St. Jude Children's Research Hospital
Classification: Uncertain significance for Von Hippel-Lindau syndrome. Last evaluated: 2026-02-11. Review status: criteria provided, single submitter. Criteria: St. Jude Assertion Criteria 2020. Collection method: clinical testing. Allele origin: germline.
Comment: The VHL c.629G>C p.(Arg210Pro) missense change is absent in gnomAD v2.1.1. The in silico tool REVEL is inconclusive about a pathogenic or benign effect of this variant on protein function. This variant was reported to be neutral in a functional study (PMID: 38969834). To our knowledge, this variant has not been reported in individuals with Von Hippel-Lindau disease. In summary, the evidence currently available is insuffi cient to determine the role of this variant in disease. It has therefore been classified as of uncertain significance.